The following is an entry in ClinVar:

ClinVar aggregate classification (germline): Uncertain significance (1 of 4 stars; one submission).

Submission:

Women's Health and Genetics/Laboratory Corporation of America, LabCorp
Classification: Uncertain significance. Last evaluated: 2025-06-11. Review status: criteria provided, single submitter. Criteria: LabCorp Variant Classification Summary - May 2015. Collection method: clinical testing. Allele origin: germline.
Comment: Variant summary: MUT c.2124G>A (p.Gln708Gln) alters a conserved nucleotide located close to a canonical splice site and therefore could affect mRNA splicing, leading to a significantly altered protein sequence. Several computational tools predict a significant impact on normal splicing: Three predict the variant abolishes a canonical 5' splicing donor site. One predict the variant no significant impact on splicing. However, these predictions have yet to be confirmed by functional studies. The variant was absent in 251318 control chromosomes. The available data on variant occurrences in the general population are insufficient to allow any conclusion about variant significance. To our knowledge, no occurrence of c.2124G>A in individuals affected with Methylmalonic Acidemia and no experimental evidence demonstrating its impact on protein function have been reported. No submitters have cited clinical-significance assessments for this variant to ClinVar. Based on the evidence outlined above, the variant was classified as uncertain significance.

NM_000255.4(MMUT):c.2124G>A (p.Gln708=)

Gene: MMUT (methylmalonyl-CoA mutase; minus strand). Cytogenetic location: 6p12.3.
Variant type: single nucleotide variant.
Coding change: c.2124G>A on transcript NM_000255.4 (MANE Select); coding-DNA position 2124, G replaced by A.
Protein change: p.Gln708=; no amino-acid change (glutamine 708 retained).
Molecular consequence: synonymous variant.
Genome position (GRCh38, 1-based): chr6:49,435,456, C>T on the plus strand (G>A on the coding strand, the complement: MMUT is on the minus strand). VCF-style: chr6-49435456-C-T. GRCh37 (hg19) VCF-style: chr6-49403169-C-T.
Identifiers: ClinVar variation 3907198 (VCV003907198.1).
Genomic context (GRCh38, chr6:49,435,456, plus strand): 5'-ATAAGCTATCATTACTCAAGATTCCCATCACAGTACTAGAAAAATAGAGATAAAAAATAC[C>T]TGAGGTGGTATCACCCCTCCACACATGACAAGAATATCTGGCCGTCCAAGGGAGTTAAGT-3'
Protein context (NP_000246.2, residues 698-718): LVMCGGVIPP[Gln708=]DYEFLFEVGV